The following is an entry in ClinVar:

NM_032119.4(ADGRV1):c.14246T>C (p.Ile4749Thr)

Gene: ADGRV1 (adhesion G protein-coupled receptor V1; plus strand). Cytogenetic location: 5q14.3.
Variant type: single nucleotide variant.
Coding change: c.14246T>C on transcript NM_032119.4 (MANE Select); coding-DNA position 14246, T replaced by C.
Protein change: p.Ile4749Thr; replaces isoleucine 4749 with threonine.
Molecular consequence: missense variant. On other transcripts: non-coding transcript variant (1).
Genome position (GRCh38, 1-based): chr5:90,791,075, T>C. VCF-style: chr5-90791075-T-C. GRCh37 (hg19) VCF-style: chr5-90086892-T-C.
Other names: c.14246T>C (NM_032119.3); short protein forms I4749T.
Identifiers: ClinVar variation 1474333 (VCV001474333.4), dbSNP rs1357195249, ClinGen allele CA360401010.

ClinVar aggregate classification (germline): Uncertain significance. Review status: criteria provided, multiple submitters, no conflicts (2 of 4 stars). 2 submissions from 2 submitters: Uncertain significance (2). Last evaluated 2024-04-15.

Conditions:
Inborn genetic diseases. Identifiers: MedGen C0950123, MeSH D030342.

Allele frequency attached by ClinVar (database versions not stated): gnomAD 0.00002; gnomAD exomes below 0.00001; TOPMed 0.00002.
gnomAD v4.1: 5 of 1,613,800 alleles (0.00031%); highest among the groups gnomAD compares: Non-Finnish European, 0.00042%; no homozygotes.

Submissions (2):

Ambry Genetics
Classification: Uncertain significance for Inborn genetic diseases. Last evaluated: 2024-04-15. Review status: criteria provided, single submitter. Criteria: Ambry Variant Classification Scheme 2023. Collection method: clinical testing. Allele origin: germline.

Labcorp Genetics (formerly Invitae), Labcorp
Classification: Uncertain significance. Last evaluated: 2022-10-04. Review status: criteria provided, single submitter. Criteria: Invitae Variant Classification Sherloc (09022015). Collection method: clinical testing. Allele origin: germline.
Comment: This sequence change replaces isoleucine, which is neutral and non-polar, with threonine, which is neutral and polar, at codon 4749 of the ADGRV1 protein (p.Ile4749Thr). This variant is present in population databases (no rsID available, gnomAD 0.0009%). This variant has not been reported in the literature in individuals affected with ADGRV1-related conditions. ClinVar contains an entry for this variant (Variation ID: 1474333). Advanced modeling of protein sequence and biophysical properties (such as structural, functional, and spatial information, amino acid conservation, physicochemical variation, residue mobility, and thermodynamic stability) performed at Invitae indicates that this missense variant is not expected to disrupt ADGRV1 protein function. In summary, the available evidence is currently insufficient to determine the role of this variant in disease. Therefore, it has been classified as a Variant of Uncertain Significance.